The following is an entry in ClinVar:

NM_005996.4(TBX3):c.62T>C (p.Leu21Pro)

Genes: TBX3 (T-box transcription factor 3; minus strand), TBX3-AS1 (TBX3 antisense RNA 1; plus strand). Cytogenetic location: 12q24.21.
Variant type: single nucleotide variant.
Coding change: c.62T>C on transcript NM_005996.4 (MANE Select); coding-DNA position 62, T replaced by C.
Protein change: p.Leu21Pro; replaces leucine 21 with proline.
Molecular consequence: missense variant.
Genome position (GRCh38, 1-based): chr12:114,683,139, A>G on the plus strand (T>C on the coding strand, the complement: TBX3 is on the minus strand). VCF-style: chr12-114683139-A-G. GRCh37 (hg19) VCF-style: chr12-115120944-A-G.
Other names: c.62T>C (NM_016569.3); c.62T>C, p.Leu21Pro (NM_016569.4); short protein forms L21P.
Identifiers: ClinVar variation 4748544 (VCV004748544.2).

ClinVar aggregate classification (germline): Uncertain significance. Review status: criteria provided, multiple submitters, no conflicts (2 of 4 stars). 2 submissions from 2 submitters: Uncertain significance (2). Last evaluated 2025-12-06.

Conditions:
TBX3-related disorder. Also called: TBX3-related condition.
Ulnar-mammary syndrome (UMS). Also called: SCHINZEL SYNDROME; Ulnar-mammary syndrome of Pallister; PALLISTER ULNAR-MAMMARY SYNDROME. Identifiers: Orphanet 3138, MedGen C1866994, MONDO:0008411, OMIM 181450.

gnomAD v4.1: 15 of 1,612,784 alleles (0.00093%); highest among the groups gnomAD compares: Non-Finnish European, 0.0013%; no homozygotes.

Submissions (2):

PreventionGenetics, part of Exact Sciences
Classification: Uncertain significance for TBX3-related condition. Last evaluated: 2025-12-06. Review status: criteria provided, single submitter. Criteria: ACMG Guidelines, 2015. Collection method: clinical testing. Allele origin: germline.
Comment: The TBX3 c.62T>C variant is predicted to result in the amino acid substitution p.Leu21Pro. To our knowledge, this variant has not been reported in the literature or in a large population database (gnomAD), indicating this variant is rare. At this time, the clinical significance of this variant is uncertain due to the absence of conclusive functional and genetic evidence.

Labcorp Genetics (formerly Invitae), Labcorp
Classification: Uncertain significance for Ulnar-mammary syndrome. Last evaluated: 2025-06-16. Review status: criteria provided, single submitter. Criteria: Invitae Variant Classification Sherloc (09022015). Collection method: clinical testing. Allele origin: germline.
Comment: This sequence change replaces leucine, which is neutral and non-polar, with proline, which is neutral and non-polar, at codon 21 of the TBX3 protein (p.Leu21Pro). This variant is not present in population databases (gnomAD no frequency). This variant has not been reported in the literature in individuals affected with TBX3-related conditions. An algorithm developed to predict the effect of missense changes on protein structure and function (PolyPhen-2) suggests that this variant is likely to be disruptive. In summary, the available evidence is currently insufficient to determine the role of this variant in disease. Therefore, it has been classified as a Variant of Uncertain Significance.